The following is an entry in ClinVar:

ClinVar aggregate classification (germline): Uncertain significance (1 of 4 stars; one submission).

Conditions:
Cardiomyopathy (CMYO). Also called: Cardiomyopathies. Identifiers: Orphanet 167848, MedGen C0878544, MONDO:0004994, HP:0001638. Inheritance: Various modes of inheritance.

Submission:

Color Diagnostics, LLC DBA Color Health
Classification: Uncertain significance for Cardiomyopathy. Last evaluated: 2024-01-29. Review status: criteria provided, single submitter. Criteria: ACMG Guidelines, 2015. Collection method: clinical testing. Allele origin: germline.
Comment: This missense variant replaces glutamic acid with glutamine at codon 3157 of the RYR2 protein. Computational prediction suggests that this variant may not impact protein structure and function. To our knowledge, functional studies have not been reported for this variant. This variant has not been reported in individuals affected with RYR2-related disorders in the literature. This variant has not been identified in the general population by the Genome Aggregation Database (gnomAD). The available evidence is insufficient to determine the role of this variant in disease conclusively. Therefore, this variant is classified as a Variant of Uncertain Significance.

NM_001035.3(RYR2):c.9469G>C (p.Glu3157Gln)

Gene: RYR2 (ryanodine receptor 2; plus strand). Cytogenetic location: 1q43.
Variant type: single nucleotide variant.
Coding change: c.9469G>C on transcript NM_001035.3 (MANE Select); coding-DNA position 9469, G replaced by C.
Protein change: p.Glu3157Gln; replaces glutamic acid 3157 with glutamine.
Molecular consequence: missense variant.
Genome position (GRCh38, 1-based): chr1:237,705,232, G>C. VCF-style: chr1-237705232-G-C. GRCh37 (hg19) VCF-style: chr1-237868532-G-C.
Other names: short protein forms E3157Q.
Identifiers: ClinVar variation 4758368 (VCV004758368.1).